The following is an entry in ClinVar:

ClinVar aggregate classification (germline): Uncertain significance (1 of 4 stars; one submission).

Conditions:
Long QT syndrome (LQTS). Identifiers: MedGen C0023976, MeSH D008133, MONDO:0002442. Disease mechanism: loss of function. Inheritance: Various modes of inheritance.

Submission:

Labcorp Genetics (formerly Invitae), Labcorp
Classification: Uncertain significance for Long QT syndrome. Last evaluated: 2019-04-30. Review status: criteria provided, single submitter. Criteria: Invitae Variant Classification Sherloc (09022015). Collection method: clinical testing. Allele origin: germline.
Comment: This variant is an in-frame deletion of the genomic region encompassing exons 2-4 of the ANK2 gene. It preserves the integrity of the reading frame. This variant has not been reported in the literature in individuals with ANK2-related disease. Experimental studies and prediction algorithms are not available for this variant, and the functional significance of the affected amino acid(s) is currently unknown. In summary, the available evidence is currently insufficient to determine the role of this variant in disease. Therefore, it has been classified as a Variant of Uncertain Significance.

NC_000004.12:g.(?_113174406)_(113199119_?)del

Gene: ANK2 (ankyrin 2; plus strand). Cytogenetic location: 4q25.
Variant type: Deletion.
Identifiers: ClinVar variation 656816 (VCV000656816.4).